The following is an entry in ClinVar:

NM_001042492.3(NF1):c.5561T>A (p.Leu1854Gln)

Gene: NF1 (neurofibromin 1; plus strand). Cytogenetic location: 17q11.2.
Variant type: single nucleotide variant.
Coding change: c.5561T>A on transcript NM_001042492.3 (MANE Select); coding-DNA position 5561, T replaced by A.
Protein change: p.Leu1854Gln; replaces leucine 1854 with glutamine.
Molecular consequence: missense variant.
Genome position (GRCh38, 1-based): chr17:31,327,791, T>A. VCF-style: chr17-31327791-T-A. GRCh37 (hg19) VCF-style: chr17-29654809-T-A.
Other names: c.5498T>A, p.Leu1833Gln (NM_000267.4); short protein forms L1833Q, L1854Q.
Identifiers: ClinVar variation 996414 (VCV000996414.12), dbSNP rs878853903, ClinGen allele CA399009910.

ClinVar aggregate classification (germline): Uncertain significance. Review status: criteria provided, multiple submitters, no conflicts (2 of 4 stars). 4 submissions from 4 submitters: Uncertain significance (4). Last evaluated 2025-06-19.

Conditions:
Neurofibromatosis, type 1 (NF1). Also called: Neurofibromatosis, type I; VON RECKLINGHAUSEN DISEASE; NEUROFIBROMATOSIS, TYPE I, SOMATIC; Peripheral type neurofibromatosis. Identifiers: Orphanet 636, MedGen C0027831, MONDO:0018975, OMIM 162200. Disease mechanism: loss of function.

Submissions (4):

Labcorp Genetics (formerly Invitae), Labcorp
Classification: Uncertain significance for Neurofibromatosis, type 1. Last evaluated: 2025-06-19. Review status: criteria provided, single submitter. Criteria: Invitae Variant Classification Sherloc (09022015). Collection method: clinical testing. Allele origin: germline.
Comment: This sequence change replaces leucine, which is neutral and non-polar, with glutamine, which is neutral and polar, at codon 1833 of the NF1 protein (p.Leu1833Gln). This variant is not present in population databases (gnomAD no frequency). This variant has not been reported in the literature in individuals affected with NF1-related conditions. ClinVar contains an entry for this variant (Variation ID: 996414). Invitae Evidence Modeling of protein sequence and biophysical properties (such as structural, functional, and spatial information, amino acid conservation, physicochemical variation, residue mobility, and thermodynamic stability) indicates that this missense variant is expected to disrupt NF1 protein function with a positive predictive value of 95%. This variant disrupts the p.Leu1833 amino acid residue in NF1. Other variant(s) that disrupt this residue have been determined to be pathogenic (internal data). This suggests that this residue is clinically significant, and that variants that disrupt this residue are likely to be disease-causing. In summary, the available evidence is currently insufficient to determine the role of this variant in disease. Therefore, it has been classified as a Variant of Uncertain Significance.

Genome-Nilou Lab
Classification: Uncertain significance for Neurofibromatosis, type 1. Last evaluated: 2022-03-15. Review status: criteria provided, single submitter. Criteria: ACMG Guidelines, 2015. Collection method: clinical testing. Allele origin: germline. Affected: no.

Genome Diagnostics Laboratory, The Hospital for Sick Children
Classification: Uncertain significance for Neurofibromatosis, type 1. Last evaluated: 2020-10-26. Review status: criteria provided, single submitter. Criteria: ACMG Guidelines, 2015. Collection method: clinical testing. Allele origin: germline. Affected: yes.

GeneDx
Classification: Uncertain significance. Last evaluated: 2019-08-28. Review status: criteria provided, single submitter. Criteria: GeneDx Variant Classification Process June 2021. Collection method: clinical testing. Allele origin: germline. Affected: yes.
Comment: Has not been previously published as a pathogenic or benign germline variant to our knowledge; A different missense change at this residue (Leu1833Pro) has been reported in individuals with suspected or clinically diagnosed Neurofibromatosis type 1 (Xu 2014, Pasmant 2015); In silico analysis, which includes protein predictors and evolutionary conservation, supports a deleterious effect; Not observed in large population cohorts (Lek 2016); This variant is associated with the following publications: (PMID: 29106415, 24789688, 25074460)